The following is an entry in ClinVar:

NM_000836.4(GRIN2D):c.2673+17G>T

Gene: GRIN2D (glutamate ionotropic receptor NMDA type subunit 2D; plus strand). Cytogenetic location: 19q13.33.
Variant type: single nucleotide variant.
Coding change: c.2673+17G>T on transcript NM_000836.4 (MANE Select); 17 bases into the intron after coding-DNA position 2673, G replaced by T.
Molecular consequence: intron variant.
Genome position (GRCh38, 1-based): chr19:48,442,399, G>T. VCF-style: chr19-48442399-G-T. GRCh37 (hg19) VCF-style: chr19-48945656-G-T.
Identifiers: ClinVar variation 2826414 (VCV002826414.3), dbSNP rs1971308051, ClinGen allele CA2739276915.

ClinVar aggregate classification (germline): Uncertain significance (1 of 4 stars; one submission).

Submission:

Labcorp Genetics (formerly Invitae), Labcorp
Classification: Uncertain significance. Last evaluated: 2023-01-19. Review status: criteria provided, single submitter. Criteria: Invitae Variant Classification Sherloc (09022015). Collection method: clinical testing. Allele origin: germline.
Comment: This sequence change falls in intron 12 of the GRIN2D gene. It does not directly change the encoded amino acid sequence of the GRIN2D protein. In summary, the available evidence is currently insufficient to determine the role of this variant in disease. Therefore, it has been classified as a Variant of Uncertain Significance. Algorithms developed to predict the effect of sequence changes on RNA splicing suggest that this variant may create or strengthen a splice site. This variant has not been reported in the literature in individuals affected with GRIN2D-related conditions. This variant is not present in population databases (gnomAD no frequency).